The following is an entry in ClinVar:

NM_000020.3(ACVRL1):c.1299del (p.Ser434fs)

Gene: ACVRL1 (activin A receptor like type 1; plus strand). Cytogenetic location: 12q13.13.
Variant type: Deletion.
Coding change: c.1299del on transcript NM_000020.3 (MANE Select); coding-DNA position 1299, one base deleted (C; older notation c.1299delC).
Protein change: p.Ser434fs; shifts the reading frame from serine 434.
Molecular consequence: frameshift variant.
Genome position (GRCh38, 1-based): chr12:51,919,037, C deleted; the last of 4 consecutive C bases (chr12:51,919,034-51,919,037); deleting any one gives the same sequence. VCF-style (leftmost placement, unchanged base first): chr12-51919033-AC-A. GRCh37 (hg19) VCF-style: chr12-52312817-AC-A.
Other names: c.1299del, p.Ser434fs (NM_001077401.2, NM_001406487.1, NM_001406488.1 and 1 more transcripts); c.1143del, p.Ser382fs (NM_001406490.1); c.987del, p.Ser330fs (NM_001406491.1, NM_001406492.1, NM_001406493.1); c.789del, p.Ser264fs (NM_001406494.1); c.735del, p.Ser246fs (NM_001406495.1); short protein forms S382fs, S434fs, S246fs, S330fs, S264fs.
Identifiers: ClinVar variation 4709972 (VCV004709972.1).

ClinVar aggregate classification (germline): Pathogenic (1 of 4 stars; one submission).

Conditions:
Telangiectasia, hereditary hemorrhagic, type 2 (HHT2). Also called: Telangiectasia, hereditary hemorrhagic, type II; ACVRL1-Related Hereditary Hemorrhagic Telangiectasia. Identifiers: Orphanet 774, MedGen C1838163, MONDO:0010880, OMIM 600376. Disease mechanism: loss of function.

Submission:

Labcorp Genetics (formerly Invitae), Labcorp
Classification: Pathogenic for Telangiectasia, hereditary hemorrhagic, type 2. Last evaluated: 2025-08-10. Review status: criteria provided, single submitter. Criteria: Invitae Variant Classification Sherloc (09022015). Collection method: clinical testing. Allele origin: germline.
Comment: This sequence change creates a premature translational stop signal (p.Ser434Alafs*5) in the ACVRL1 gene. It is expected to result in an absent or disrupted protein product. Loss-of-function variants in ACVRL1 are known to be pathogenic (PMID: 15879500). This variant is not present in population databases (gnomAD no frequency). This premature translational stop signal has been observed in individual(s) with hereditary hemorrhagic telangiectasia (PMID: 12700602). For these reasons, this variant has been classified as Pathogenic.

Literature cited by the submitters: PubMed 15879500; PubMed 12700602.